The following is an entry in ClinVar:

ClinVar aggregate classification (germline): Uncertain significance (1 of 4 stars; one submission).

Submission:

Labcorp Genetics (formerly Invitae), Labcorp
Classification: Uncertain significance. Last evaluated: 2021-07-26. Review status: criteria provided, single submitter. Criteria: Invitae Variant Classification Sherloc (09022015). Collection method: clinical testing. Allele origin: germline.
Comment: This variant is not present in population databases (ExAC no frequency). This variant has not been reported in the literature in individuals affected with ABCA4-related conditions. Advanced modeling of protein sequence and biophysical properties (such as structural, functional, and spatial information, amino acid conservation, physicochemical variation, residue mobility, and thermodynamic stability) performed at Invitae indicates that this missense variant is expected to disrupt ABCA4 protein function. In summary, the available evidence is currently insufficient to determine the role of this variant in disease. Therefore, it has been classified as a Variant of Uncertain Significance. This sequence change replaces glycine with alanine at codon 1563 of the ABCA4 protein (p.Gly1563Ala). The glycine residue is highly conserved and there is a small physicochemical difference between glycine and alanine.

NM_000350.3(ABCA4):c.4688G>C (p.Gly1563Ala)

Genes: ABCA4 (ATP binding cassette subfamily A member 4; minus strand), LOC126805793 (CDK7 strongly-dependent group 2 enhancer GRCh37_chr1:94486302-94487501; plus strand). Cytogenetic location: 1p22.1.
Variant type: single nucleotide variant.
Coding change: c.4688G>C on transcript NM_000350.3 (MANE Select); coding-DNA position 4688, G replaced by C.
Protein change: p.Gly1563Ala; replaces glycine 1563 with alanine.
Molecular consequence: missense variant.
Genome position (GRCh38, 1-based): chr1:94,021,931, C>G on the plus strand (G>C on the coding strand, the complement: ABCA4 is on the minus strand). VCF-style: chr1-94021931-C-G. GRCh37 (hg19) VCF-style: chr1-94487487-C-G.
Other names: c.4466G>C, p.Gly1489Ala (NM_001425324.1); short protein forms G1563A, G1489A.
Identifiers: ClinVar variation 1407426 (VCV001407426.6), dbSNP rs1659913715, ClinGen allele CA341284024.